The following is an entry in ClinVar:

ClinVar aggregate classification (germline): Likely benign (0 of 4 stars; one submission).

Conditions:
STIM1-related disorder. Also called: STIM1-related condition.

Submission:

PreventionGenetics, part of Exact Sciences
Classification: Likely benign for STIM1-related condition. Last evaluated: 2024-02-29. Review status: no assertion criteria provided. Collection method: clinical testing. Allele origin: germline.
Comment: This variant is classified as likely benign based on ACMG/AMP sequence variant interpretation guidelines (Richards et al. 2015 PMID: 25741868, with internal and published modifications).

NM_001382567.1(STIM1):c.*2C>T

Gene: STIM1 (stromal interaction molecule 1; plus strand). Cytogenetic location: 11p15.4.
Variant type: single nucleotide variant.
Coding change: c.*2C>T on transcript NM_001382567.1 (MANE Select); 2 bases downstream of the stop codon, C replaced by T.
Molecular consequence: 3 prime UTR variant. On other transcripts: non-coding transcript variant (3).
Genome position (GRCh38, 1-based): chr11:4,091,800, C>T. VCF-style: chr11-4091800-C-T. GRCh37 (hg19) VCF-style: chr11-4113030-C-T.
Other names: c.*2C>T (NM_001277961.3, NM_001382566.1, NM_001382568.1 and 8 more transcripts); c.*474C>T (NM_001277962.2, NM_001382578.1, NM_001382579.1 and 1 more transcripts).
Identifiers: ClinVar variation 3061137 (VCV003061137.2), dbSNP rs2498547908, ClinGen allele CA2740093593.
Genomic context (GRCh38, chr11:4,091,800, plus strand): 5'-CCAGCCCAGGCCGGAAGAAGTTTCCCCTCAAAATCTTTAAGAAGCCTCTTAAGAAGTAGG[C>T]AGGATGGGGTGGCAGTAAAGGGACAGCTTGTCCTTCCCTGGGTGTTCTGTCTCTCCTTCC-3'